The following is an entry in ClinVar:

NM_006929.5(SKIC2):c.2613C>A (p.Phe871Leu)

Gene: SKIC2 (SKI2 subunit of superkiller complex; plus strand). Cytogenetic location: 6p21.33.
Variant type: single nucleotide variant.
Coding change: c.2613C>A on transcript NM_006929.5 (MANE Select); coding-DNA position 2613, C replaced by A.
Protein change: p.Phe871Leu; replaces phenylalanine 871 with leucine.
Molecular consequence: missense variant.
Genome position (GRCh38, 1-based): chr6:31,967,744, C>A. VCF-style: chr6-31967744-C-A. GRCh37 (hg19) VCF-style: chr6-31935521-C-A.
Other names: short protein forms F871L.
Identifiers: ClinVar variation 4864542 (VCV004864542.1).

ClinVar aggregate classification (germline): Uncertain significance (1 of 4 stars; one submission).

Conditions:
Inborn genetic diseases. Identifiers: MedGen C0950123, MeSH D030342.

gnomAD v4.1: 3 of 1,613,048 alleles (0.00019%); highest among the groups gnomAD compares: Non-Finnish European, 0.00025%; no homozygotes.

Submission:

Ambry Genetics
Classification: Uncertain significance for Inborn genetic diseases. Last evaluated: 2026-05-26. Review status: criteria provided, single submitter. Criteria: Ambry Variant Classification Scheme 2023. Collection method: clinical testing. Allele origin: germline.
Comment: The c.2613C>A (p.F871L) alteration is located in exon 22 (coding exon 22) of the SKIV2L gene. This alteration results from a C to A substitution at nucleotide position 2613, causing the phenylalanine (F) at amino acid position 871 to be replaced by a leucine (L). Based on data from gnomAD, the A allele has an overall frequency of <0.001% (1/246466) total alleles studied. The highest observed frequency was 0.001% (1/110628) of European (non-Finnish) alleles. Based on insufficient or conflicting evidence, the clinical significance of this alteration remains unclear.